The following is an entry in ClinVar:

NM_002519.3(NPAT):c.3334A>G (p.Asn1112Asp)

Gene: NPAT (nuclear protein, coactivator of histone transcription; minus strand). Cytogenetic location: 11q22.3.
Variant type: single nucleotide variant.
Coding change: c.3334A>G on transcript NM_002519.3 (MANE Select); coding-DNA position 3334, A replaced by G.
Protein change: p.Asn1112Asp; replaces asparagine 1112 with aspartic acid.
Molecular consequence: missense variant.
Genome position (GRCh38, 1-based): chr11:108,161,752, T>C on the plus strand (A>G on the coding strand, the complement: NPAT is on the minus strand). VCF-style: chr11-108161752-T-C. GRCh37 (hg19) VCF-style: chr11-108032479-T-C.
Other names: c.3355A>G, p.Asn1119Asp (NM_001321307.1); short protein forms N1112D, N1119D.
Identifiers: ClinVar variation 1730337 (VCV001730337.7), dbSNP rs185728047, ClinGen allele CA6263598.

ClinVar aggregate classification (germline): Conflicting classifications of pathogenicity. Review status: criteria provided, conflicting classifications (1 of 4 stars). 2 submissions from 2 submitters: Uncertain significance (1); Likely benign (1). Last evaluated 2025-08-30.

Allele frequency attached by ClinVar (database versions not stated): gnomAD exomes 0.00011; gnomAD 0.00020; TOPMed 0.00029; ExAC 0.00037; 1000 Genomes Project 0.00080; 1000 Genomes Project 30x 0.00094.
gnomAD v4.1: 189 of 1,613,806 alleles (0.012%); highest among the groups gnomAD compares: East Asian, 0.39%; no homozygotes.

Submissions (2):

Labcorp Genetics (formerly Invitae), Labcorp
Classification: Likely benign. Last evaluated: 2025-08-30. Review status: criteria provided, single submitter. Criteria: Invitae Variant Classification Sherloc (09022015). Collection method: clinical testing. Allele origin: germline.

Ambry Genetics
Classification: Uncertain significance. Last evaluated: 2022-09-17. Review status: criteria provided, single submitter. Criteria: Ambry Variant Classification Scheme 2023. Collection method: clinical testing. Allele origin: germline.
Comment: The p.N1112D variant (also known as c.3334A>G), located in coding exon 17 of the NPAT gene, results from an A to G substitution at nucleotide position 3334. The asparagine at codon 1112 is replaced by aspartic acid, an amino acid with highly similar properties. This amino acid position is conserved. In addition, this alteration is predicted to be tolerated by in silico analysis. Since supporting evidence is limited at this time, the clinical significance of this alteration remains unclear.